The following is an entry in ClinVar:

ClinVar aggregate classification (germline): Pathogenic (3 of 4 stars; one submission).

Conditions:
Autosomal recessive limb-girdle muscular dystrophy. Identifiers: Orphanet 102015, MedGen C2931907, MONDO:0015152.

gnomAD v4.1: 15 of 1,607,622 alleles (0.00093%); highest among the groups gnomAD compares: Non-Finnish European, 0.0013%; no homozygotes.

Submission:

ClinGen Limb Girdle Muscular Dystrophy Variant Curation Expert Panel, ClinGen
Classification: Pathogenic for Autosomal recessive limb-girdle muscular dystrophy. Last evaluated: 2025-06-18. Review status: reviewed by expert panel. Criteria: ClinGen LGMD VCEP ACMG Specifications DYSF V1.0.0. Collection method: curation. Allele origin: germline. Inheritance: Autosomal recessive inheritance.
Comment: The NM_003494.4: c.2811-20T>G variant in DYSF, which is also known as NM_001130987.2: c.2865-20T>G, occurs in the splice acceptor motif in intron 26. RNAseq analysis has shown that this variant disrupts splicing, resulting in the use of an alternative splice acceptor site and a frameshift and premature truncation, p.Leu938ArgfsTer3, with nonsense mediated decay expected (PMID: 36983702; PVS1_RNA). These results are consistent with the SpliceAI score of 0.45 for acceptor gain. This variant has been reported in trans with a likely pathogenic or pathogenic variant (NM_003494.4: c.2810+1G>A, 1.0 pt) in an individual with absent dysferlin protein expression in skeletal muscle (PMID: 36983702; PM3). The filtering allele frequency for this variant in gnomAD v4.1.0 exomes is 0.000020862 (the upper bound of the 95% confidence interval of 15/1107154 European (non-Finnish) chromosomes), which is less than the LGMD VCEP threshold of 0.0001 (PM2_Supporting). In summary, this variant meets the criteria to be classified as Pathogenic for autosomal recessive limb girdle muscular dystrophy based on the ACMG/AMP criteria applied, as specified by the ClinGen LGMD VCEP (LGMD VCEP specifications version 1.0.0; 06/18/2025): PVS1_RNA, PM3, PM2_Supporting.

NM_001130987.2(DYSF):c.2865-20T>G

Gene: DYSF (dysferlin; plus strand). Cytogenetic location: 2p13.2.
Variant type: single nucleotide variant.
Coding change: c.2865-20T>G on transcript NM_001130987.2 (MANE Select); 20 bases into the intron before coding-DNA position 2865, T replaced by G.
Molecular consequence: intron variant.
Genome position (GRCh38, 1-based): chr2:71,569,800, T>G. VCF-style: chr2-71569800-T-G. GRCh37 (hg19) VCF-style: chr2-71796930-T-G.
Other names: NM_003494.4:c.2811-20T>G; c.2904-20T>G (NM_001130979.2); c.2862-20T>G (NM_001130981.2, NM_001130980.2); c.2811-20T>G (NM_001130978.2, NM_003494.4); c.2769-20T>G (NM_001130977.2, NM_001130976.2); c.2907-20T>G (NM_001130982.2); c.2865-20T>G (NM_001130985.2); c.2814-20T>G (NM_001130983.2, NM_001130455.2); and 1 more.
Identifiers: ClinVar variation 3775113 (VCV003775113.2).
Genomic context (GRCh38, chr2:71,569,800, plus strand): 5'-GGGTGCTCTCCAGGAGGTGGTAGATGGATGGGGGCCTCTCCAGCAGAGCAGCAGAGACTC[T>G]GACCAGCCCTCCTCCACAGTCTGCTCCATGACATGGACGCCGGTCACCTGAGCTTCGTGG-3'